The following is an entry in ClinVar:

ClinVar aggregate classification (germline): Likely pathogenic. Review status: criteria provided, multiple submitters, no conflicts (2 of 4 stars). 3 submissions from 3 submitters: Likely pathogenic (3). Last evaluated 2025-12-28.

Conditions:
3-hydroxy-3-methylglutaryl-CoA synthase deficiency (HMGCS2D). Also called: HMGCS2 DEFICIENCY; MITOCHONDRIAL HMG-CoA SYNTHASE DEFICIENCY; HMG-CoA synthase-2 deficiency. Identifiers: Orphanet 35701, MedGen C2751532, MONDO:0011614, OMIM 605911.

Submissions (3):

First Genomix Gene Laboratory, Genetic Diagnostics Department
Classification: Likely pathogenic for 3-hydroxy-3-methylglutaryl-CoA synthase deficiency. Last evaluated: 2025-12-28. Review status: criteria provided, single submitter. Criteria: ACMG Guidelines, 2015. Collection method: clinical testing. Allele origin: germline. Inheritance: Autosomal recessive inheritance. Affected: no. Observed: 1 variant allele.

Women's Health and Genetics/Laboratory Corporation of America, LabCorp
Classification: Likely pathogenic for 3-hydroxy-3-methylglutaryl-CoA synthase deficiency. Last evaluated: 2025-03-26. Review status: criteria provided, single submitter. Criteria: LabCorp Variant Classification Summary - May 2015. Collection method: clinical testing. Allele origin: germline.
Comment: Variant summary: HMGCS2 c.1502G>A (p.Arg501Gln) results in a conservative amino acid change in the encoded protein sequence. Four of five in-silico tools predict a damaging effect of the variant on protein function. The variant allele was found at a frequency of 4e-06 in 251332 control chromosomes. c.1502G>A has been reported in the literature in individuals affected with 3-hydroxy-3-methylglutaryl-CoA synthase deficiency. These data indicate that the variant may be associated with disease. A different variant located at the same codon (c.1502G>C, p.Arg501Pro) has been classified as Pathogenic in ClinVar, supporting a critical relevance of this residue to HMGCS2 protein function. To our knowledge, no experimental evidence demonstrating an impact on protein function has been reported. ClinVar contains an entry for this variant (Variation ID: 3383101). Based on the evidence outlined above, the variant was classified as likely pathogenic.

Juno Genomics, Hangzhou Juno Genomics, Inc
Classification: Likely pathogenic for 3-hydroxy-3-methylglutaryl-CoA synthase deficiency. Review status: criteria provided, single submitter. Criteria: ACMG Guidelines, 2015. Collection method: clinical testing. Allele origin: germline. Affected: yes.
Comment: Absent from controls (or at extremely low frequency if recessive) in Genome Aggregation Database, Exome Sequencing Project, 1000 Genomes Project, or Exome Aggregation Consortium.;For recessive disorders, detected in trans with a pathogenic variant.;Patient's phenotype or family history is highly specific for a disease with a single genetic etiology.;Multiple lines of computational evidence support a deleterious effect on the gene or gene product (conservation, evolutionary, splicing impact, etc).;Novel missense change at an amino acid residue where a different missense change determined to be pathogenic has been seen before.

Literature cited by the submitters: PubMed 35308163 (cited by Women's Health and Genetics/Laboratory Corporation of America, LabCorp); PubMed 30477625 (cited by Women's Health and Genetics/Laboratory Corporation of America, LabCorp).

NM_005518.4(HMGCS2):c.1502G>A (p.Arg501Gln)

Gene: HMGCS2 (3-hydroxy-3-methylglutaryl-CoA synthase 2; minus strand). Cytogenetic location: 1p12.
Variant type: single nucleotide variant.
Coding change: c.1502G>A on transcript NM_005518.4 (MANE Select); coding-DNA position 1502, G replaced by A.
Protein change: p.Arg501Gln; replaces arginine 501 with glutamine.
Molecular consequence: missense variant.
Genome position (GRCh38, 1-based): chr1:119,750,827, C>T on the plus strand (G>A on the coding strand, the complement: HMGCS2 is on the minus strand). VCF-style: chr1-119750827-C-T. GRCh37 (hg19) VCF-style: chr1-120293450-C-T.
Other names: c.1376G>A, p.Arg459Gln (NM_001166107.1); short protein forms R459Q, R501Q.
Identifiers: ClinVar variation 3383101 (VCV003383101.4).
Genomic context (GRCh38, chr1:119,750,827, plus strand): 5'-ATGCCACCAACTCTGCAAACTCTCACTCACCACCTTTAGACGGGACGCCGGGCATACTTT[C>T]GGCGATGCTGCTCGTCCACTCGCTCCAGGTACCAAGTACCTGGGAAAAGGCTGTTTGTGT-3'
Protein context (NP_005509.1, residues 491-508): YLERVDEQHR[Arg501Gln]KYARRPV